The following is an entry in ClinVar:

NM_001242.5(CD27):c.709C>T (p.Pro237Ser)

Genes: CD27 (CD27 molecule; plus strand), CD27-AS1 (CD27 antisense RNA 1; minus strand). Cytogenetic location: 12p13.31.
Variant type: single nucleotide variant.
Coding change: c.709C>T on transcript NM_001242.5 (MANE Select); coding-DNA position 709, C replaced by T.
Protein change: p.Pro237Ser; replaces proline 237 with serine.
Molecular consequence: missense variant. On other transcripts: non-coding transcript variant (1).
Genome position (GRCh38, 1-based): chr12:6,451,318, C>T. VCF-style: chr12-6451318-C-T. GRCh37 (hg19) VCF-style: chr12-6560484-C-T.
Other names: c.802C>T, p.Pro268Ser (NM_001413263.1); c.682C>T, p.Pro228Ser (NM_001413264.1); c.529C>T, p.Pro177Ser (NM_001413265.1); c.259C>T, p.Pro87Ser (NM_001413266.1, NM_001413267.1, NM_001413268.1); short protein forms P177S, P228S, P237S, P268S, P87S.
Identifiers: ClinVar variation 2213322 (VCV002213322.7), dbSNP rs372444145, ClinGen allele CA6407081.

ClinVar aggregate classification (germline): Uncertain significance. Review status: criteria provided, multiple submitters, no conflicts (2 of 4 stars). 2 submissions from 2 submitters: Uncertain significance (2). Last evaluated 2024-01-20.

Conditions:
Lymphoproliferative syndrome 2 (LPFS2). Also called: CD27 DEFICIENCY; Combined immunodeficiency due to CD27 deficiency. Identifiers: Orphanet 238505, MedGen C3554540, MONDO:0014054, OMIM 615122.
Inborn genetic diseases. Identifiers: MedGen C0950123, MeSH D030342.

Allele frequency attached by ClinVar (database versions not stated): ExAC 0.00002; gnomAD 0.00002; TOPMed 0.00003; ESP Exome Variant Server 0.00008.

Submissions (2):

Labcorp Genetics (formerly Invitae), Labcorp
Classification: Uncertain significance for Lymphoproliferative syndrome 2. Last evaluated: 2024-01-20. Review status: criteria provided, single submitter. Criteria: Invitae Variant Classification Sherloc (09022015). Collection method: clinical testing. Allele origin: germline.
Comment: This sequence change replaces proline, which is neutral and non-polar, with serine, which is neutral and polar, at codon 237 of the CD27 protein (p.Pro237Ser). This variant is present in population databases (rs372444145, gnomAD 0.004%). This variant has not been reported in the literature in individuals affected with CD27-related conditions. ClinVar contains an entry for this variant (Variation ID: 2213322). An algorithm developed to predict the effect of missense changes on protein structure and function (PolyPhen-2) suggests that this variant is likely to be disruptive. In summary, the available evidence is currently insufficient to determine the role of this variant in disease. Therefore, it has been classified as a Variant of Uncertain Significance.

Ambry Genetics
Classification: Uncertain significance for Inborn genetic diseases. Last evaluated: 2021-08-16. Review status: criteria provided, single submitter. Criteria: Ambry Variant Classification Scheme 2023. Collection method: clinical testing. Allele origin: germline.